The following is an entry in ClinVar:

NM_144666.3(DNHD1):c.5305G>A (p.Glu1769Lys)

Gene: DNHD1 (dynein heavy chain domain 1; plus strand). Cytogenetic location: 11p15.4.
Variant type: single nucleotide variant.
Coding change: c.5305G>A on transcript NM_144666.3 (MANE Select); coding-DNA position 5305, G replaced by A.
Protein change: p.Glu1769Lys; replaces glutamic acid 1769 with lysine.
Molecular consequence: missense variant.
Genome position (GRCh38, 1-based): chr11:6,546,244, G>A. VCF-style: chr11-6546244-G-A. GRCh37 (hg19) VCF-style: chr11-6567474-G-A.
Other names: short protein forms E1769K.
Identifiers: ClinVar variation 2641549 (VCV002641549.24), dbSNP rs539313678, ClinGen allele CA5856046.
Genomic context (GRCh38, chr11:6,546,244, plus strand): 5'-CTCTCTGCCCTGGGCCAGCGCCTGGGTGAACTGCACCACTTGTATGCCCCACTGTACCAG[G>A]AGGCTTCCCGAAACACAAGCACCATAGACCCCACCCAGCCCCAGCTCCTTGGCAGTAGCT-3'
Protein context (NP_653267.2, residues 1759-1779): LHHLYAPLYQ[Glu1769Lys]ASRNTSTIDP

ClinVar aggregate classification (germline): Likely benign (1 of 4 stars; one submission).

Allele frequency attached by ClinVar (database versions not stated): 1000 Genomes Project 30x 0.00016; ExAC 0.00018; 1000 Genomes Project 0.00020; gnomAD 0.00033; TOPMed 0.00034.
gnomAD v4.1: 162 of 1,552,188 alleles (0.01%); highest among the groups gnomAD compares: Middle Eastern, 0.17%; no homozygotes.

Submission:

CeGaT Center for Human Genetics Tuebingen
Classification: Likely benign. Last evaluated: 2023-09-01. Review status: criteria provided, single submitter. Criteria: CeGaT Center For Human Genetics Tuebingen Variant Classification Criteria Version 2. Collection method: clinical testing. Allele origin: germline. Affected: yes. Observed: 1 variant allele.
Comment: DNHD1: BP4